The following is an entry in ClinVar:

ClinVar aggregate classification (germline): Uncertain significance (1 of 4 stars; one submission).

Conditions:
Myofibrillar myopathy 4. Also called: Zaspopathy (type). Identifiers: Orphanet 98912, MedGen C4721886, MONDO:0012277, OMIM 609452.

gnomAD v4.1: 5 of 1,614,150 alleles (0.00031%); highest among the groups gnomAD compares: Non-Finnish European, 0.00042%; no homozygotes.

Submission:

Labcorp Genetics (formerly Invitae), Labcorp
Classification: Uncertain significance for Myofibrillar myopathy 4. Last evaluated: 2023-06-04. Review status: criteria provided, single submitter. Criteria: Invitae Variant Classification Sherloc (09022015). Collection method: clinical testing. Allele origin: germline.
Comment: An algorithm developed to predict the effect of missense changes on protein structure and function (PolyPhen-2) suggests that this variant is likely to be tolerated. In summary, the available evidence is currently insufficient to determine the role of this variant in disease. Therefore, it has been classified as a Variant of Uncertain Significance. This sequence change replaces asparagine, which is neutral and polar, with lysine, which is basic and polar, at codon 123 of the LDB3 protein (p.Asn123Lys). This variant is present in population databases (no rsID available, gnomAD 0.002%). This variant has not been reported in the literature in individuals affected with LDB3-related conditions.

NM_001368067.1(LDB3):c.369C>A (p.Asn123Lys)

Genes: LDB3 (LIM domain binding 3; plus strand), LOC110121486 (VISTA enhancer hs2143; plus strand). Cytogenetic location: 10q23.2.
Variant type: single nucleotide variant.
Coding change: c.369C>A on transcript NM_001368067.1 (MANE Plus Clinical); coding-DNA position 369, C replaced by A.
Protein change: p.Asn123Lys; replaces asparagine 123 with lysine.
Molecular consequence: missense variant. On other transcripts: intron variant (5).
Genome position (GRCh38, 1-based): chr10:86,687,093, C>A. VCF-style: chr10-86687093-C-A. GRCh37 (hg19) VCF-style: chr10-88446850-C-A.
Other names: c.369C>A, p.Asn123Lys (NM_001080114.2, NM_001080116.1, NM_001368066.1 and 1 more transcripts); c.714C>A, p.Asn238Lys (NM_001171610.2, NM_001171611.2); c.690-4803C>A (NM_001368064.1, NM_001368063.1, NM_007078.3 and 2 more transcripts); short protein forms N123K, N238K.
Identifiers: ClinVar variation 2902663 (VCV002902663.3), dbSNP rs751576160, ClinGen allele CA377441398.